The following is an entry in ClinVar:

NM_000504.4(F10):c.60C>T (p.Leu20=)

Gene: F10 (coagulation factor X; plus strand). Cytogenetic location: 13q34.
Variant type: single nucleotide variant.
Coding change: c.60C>T on transcript NM_000504.4 (MANE Select); coding-DNA position 60, C replaced by T.
Protein change: p.Leu20=; no amino-acid change (leucine 20 retained).
Molecular consequence: synonymous variant.
Genome position (GRCh38, 1-based): chr13:113,122,915, C>T. VCF-style: chr13-113122915-C-T. GRCh37 (hg19) VCF-style: chr13-113777229-C-T.
Other names: p.Leu20=; c.60C>T, p.Leu20= (NM_001312674.2, NM_001312675.2); c.60C>T (LRG_548t1).
Identifiers: ClinVar variation 311269 (VCV000311269.40), dbSNP rs3211718, ClinGen allele CA7060319.
Genomic context (GRCh38, chr13:113,122,915, plus strand): 5'-CATGGGGCGCCCACTGCACCTCGTCCTGCTCAGTGCCTCCCTGGCTGGCCTCCTGCTGCT[C>T]GGGGAAAGTCGTAAGTGCCCCTCGCCCTTCAGACCCAAAAGCAGCGCCAGGGAGCAGGGA-3'
Protein context (NP_000495.1, residues 10-30): LSASLAGLLL[Leu20=]GESLFIRREQ

ClinVar aggregate classification (germline): Benign/Likely benign. Review status: criteria provided, multiple submitters, no conflicts (2 of 4 stars). 3 submissions from 3 submitters: Benign (2); Likely benign (1). Last evaluated 2026-04-01.

Allele frequency attached by ClinVar (database versions not stated): 1000 Genomes Project 0.00260; 1000 Genomes Project 30x 0.00265; gnomAD exomes 0.00491; gnomAD 0.00501 and 0.00507; TOPMed 0.00501; ExAC 0.00532; ESP Exome Variant Server 0.00623.
gnomAD v4.1: 10,898 of 1,609,904 alleles (0.68%); highest among the groups gnomAD compares: Non-Finnish European, 0.82%; 44 homozygotes.

Submissions (3):

CeGaT Center for Human Genetics Tuebingen
Classification: Likely benign. Last evaluated: 2026-04-01. Review status: criteria provided, single submitter. Criteria: CeGaT Center For Human Genetics Tuebingen Variant Classification Criteria Version 2. Collection method: clinical testing. Allele origin: germline. Affected: yes. Observed: 6 variant alleles.
Comment: F10: BP4, BP7, BS2

Mayo Clinic Laboratories, Mayo Clinic
Classification: Benign. Last evaluated: 2024-12-03. Review status: criteria provided, single submitter. Criteria: ACMG Guidelines, 2015. Collection method: clinical testing. Allele origin: germline. Observed: 2 variant alleles.
Comment: BS1, BS2, BP4, BP7

Labcorp Genetics (formerly Invitae), Labcorp
Classification: Benign. Last evaluated: 2019-12-31. Review status: criteria provided, single submitter. Criteria: Invitae Variant Classification Sherloc (09022015). Collection method: clinical testing. Allele origin: germline.